The following is an entry in ClinVar:

ClinVar aggregate classification (germline): Conflicting classifications of pathogenicity. Review status: criteria provided, conflicting classifications (1 of 4 stars). 4 submissions from 4 submitters: Likely pathogenic (1); Uncertain significance (3). Last evaluated 2025-08-23.

Conditions:
Autosomal recessive distal spinal muscular atrophy 1. Also called: NEURONOPATHY, SEVERE INFANTILE AXONAL, WITH RESPIRATORY FAILURE; SEVERE INFANTILE AXONAL NEUROPATHY WITH RESPIRATORY FAILURE; SPINAL MUSCULAR ATROPHY, DIAPHRAGMATIC; HMN VI; NEURONOPATHY, DISTAL HEREDITARY MOTOR, HARDING TYPE VI; Spinal muscular atrophy with respiratory distress 1. Identifiers: Orphanet 98920, MedGen C1858517, MONDO:0011436, OMIM 604320.
Charcot-Marie-Tooth disease axonal type 2S. Also called: CHARCOT-MARIE-TOOTH DISEASE, AXONAL, AUTOSOMAL RECESSIVE, TYPE 2S; CHARCOT-MARIE-TOOTH NEUROPATHY, TYPE 2S. Identifiers: Orphanet 443073, MedGen C4015349, MONDO:0014511, OMIM 616155.
Neuronopathy, distal hereditary motor, type 2C. Also called: HMN IIC; NEUROPATHY, DISTAL HEREDITARY MOTOR, AUTOSOMAL DOMINANT 4; NEURONOPATHY, DISTAL HEREDITARY MOTOR, HARDING TYPE IIC; NEUROPATHY, DISTAL HEREDITARY MOTOR, HARDING TYPE IIC. Identifiers: Orphanet 139525, MedGen C3150619, MONDO:0013243, OMIM 613376.

Allele frequency attached by ClinVar (database versions not stated): ExAC 0.00002; gnomAD exomes 0.00002.
gnomAD v4.1: 13 of 1,614,150 alleles (0.00081%); highest among the groups gnomAD compares: South Asian, 0.014%; no homozygotes.

Submissions (4):

Centre for Medical Genetics,  Mumbai
Classification: Likely pathogenic for Autosomal recessive distal spinal muscular atrophy 1. Last evaluated: 2025-08-23. Review status: criteria provided, single submitter. Criteria: ACMG Guidelines, 2015. Collection method: clinical testing. Allele origin: germline. Affected: yes. Observed: 1 compound heterozygote.

Neuberg Centre For Genomic Medicine, NCGM
Classification: Uncertain significance for Neuronopathy, distal hereditary motor, type 2C. Last evaluated: 2024-02-01. Review status: criteria provided, single submitter. Criteria: ACMG Guidelines, 2015. Collection method: clinical testing. Allele origin: germline. Inheritance: Autosomal recessive inheritance. Affected: yes.
Comment: The above variant has not been reported as a pathogenic nor as a benign variant in the literature, to our knowledge.

Labcorp Genetics (formerly Invitae), Labcorp
Classification: Uncertain significance for Autosomal recessive distal spinal muscular atrophy 1; Charcot-Marie-Tooth disease axonal type 2S. Last evaluated: 2020-02-21. Review status: criteria provided, single submitter. Criteria: Invitae Variant Classification Sherloc (09022015). Collection method: clinical testing. Allele origin: germline.
Comment: This sequence change replaces glycine with valine at codon 589 of the IGHMBP2 protein (p.Gly589Val). The glycine residue is highly conserved and there is a moderate physicochemical difference between glycine and valine. This variant is present in population databases (rs764900781, ExAC 0.02%). This variant has not been reported in the literature in individuals with IGHMBP2-related disease. ClinVar contains an entry for this variant (Variation ID: 450280). Algorithms developed to predict the effect of missense changes on protein structure and function do not agree on the potential impact of this missense change (SIFT: "Deleterious"; PolyPhen-2: "Probably Damaging"; Align-GVGD: "Class C0"). In summary, the available evidence is currently insufficient to determine the role of this variant in disease. Therefore, it has been classified as a Variant of Uncertain Significance.

GeneDx
Classification: Uncertain significance. Last evaluated: 2017-07-07. Review status: criteria provided, single submitter. Criteria: GeneDx Variant Classification (06012015). Collection method: clinical testing. Allele origin: germline. Affected: yes.
Comment: A variant of uncertain significance has been identified in the IGHMBP2 gene. The G589V variant has not been published as a pathogenic variant, nor has it been reported as a benign variant to our knowledge. The G589V variant is not observed at a significant frequency in large population cohorts (Lek et al., 2016; 1000 Genomes Consortium et al., 2015; Exome Variant Server). The G589V variant is a conservative amino acid substitution, which is not likely to impact secondary protein structure as these residues share similar properties. However, this substitution occurs at a position that is conserved across species, and in silico analysis predicts this variant is probably damaging to the protein structure/function. Therefore, based on the currently available information, it is unclear whether this variant is a pathogenic variant or a rare benign variant. Of note, an external source has observed individuals apparently homozygous (by WES) for this variant with spinal muscular atrophy with respiratory failure; however, additional evidence is not currently available to GeneDx.

NM_002180.3(IGHMBP2):c.1766G>T (p.Gly589Val)

Gene: IGHMBP2 (immunoglobulin mu DNA binding protein 2; plus strand). Cytogenetic location: 11q13.3.
Variant type: single nucleotide variant.
Coding change: c.1766G>T on transcript NM_002180.3 (MANE Select); coding-DNA position 1766, G replaced by T.
Protein change: p.Gly589Val; replaces glycine 589 with valine.
Molecular consequence: missense variant.
Genome position (GRCh38, 1-based): chr11:68,936,246, G>T. VCF-style: chr11-68936246-G-T. GRCh37 (hg19) VCF-style: chr11-68703714-G-T.
Other names: short protein forms G589V.
Identifiers: ClinVar variation 450280 (VCV000450280.13), dbSNP rs764900781, ClinGen allele CA6153773.